The following is an entry in ClinVar:

NM_001126121.2(SLC25A19):c.235T>C (p.Trp79Arg)

Gene: SLC25A19 (solute carrier family 25 member 19; minus strand). Cytogenetic location: 17q25.1.
Variant type: single nucleotide variant.
Coding change: c.235T>C on transcript NM_001126121.2 (MANE Select); coding-DNA position 235, T replaced by C.
Protein change: p.Trp79Arg; replaces tryptophan 79 with arginine.
Molecular consequence: missense variant.
Genome position (GRCh38, 1-based): chr17:75,286,357, A>G on the plus strand (T>C on the coding strand, the complement: SLC25A19 is on the minus strand). VCF-style: chr17-75286357-A-G. GRCh37 (hg19) VCF-style: chr17-73282438-A-G.
Other names: c.235T>C, p.Trp79Arg (NM_001126122.2, NM_021734.5); short protein forms W79R.
Identifiers: ClinVar variation 2049967 (VCV002049967.4), dbSNP rs777778350, ClinGen allele CA8761060.

ClinVar aggregate classification (germline): Uncertain significance (1 of 4 stars; one submission).

Allele frequency attached by ClinVar (database versions not stated): ExAC 0.00001.
gnomAD v4.1: 1 of 1,614,152 alleles (0.000062%); no homozygotes.

Submission:

Labcorp Genetics (formerly Invitae), Labcorp
Classification: Uncertain significance. Last evaluated: 2022-08-23. Review status: criteria provided, single submitter. Criteria: Invitae Variant Classification Sherloc (09022015). Collection method: clinical testing. Allele origin: germline.
Comment: In summary, the available evidence is currently insufficient to determine the role of this variant in disease. Therefore, it has been classified as a Variant of Uncertain Significance. Algorithms developed to predict the effect of missense changes on protein structure and function (SIFT, PolyPhen-2, Align-GVGD) all suggest that this variant is likely to be disruptive. This variant has not been reported in the literature in individuals affected with SLC25A19-related conditions. This variant is present in population databases (rs777778350, gnomAD 0.0009%). This sequence change replaces tryptophan, which is neutral and slightly polar, with arginine, which is basic and polar, at codon 79 of the SLC25A19 protein (p.Trp79Arg).